The following is an entry in ClinVar:

ClinVar aggregate classification (germline): Uncertain significance (1 of 4 stars; one submission).

Submission:

Women's Health and Genetics/Laboratory Corporation of America, LabCorp
Classification: Uncertain significance. Last evaluated: 2026-04-28. Review status: criteria provided, single submitter. Criteria: LabCorp Variant Classification Summary - May 2015. Collection method: clinical testing. Allele origin: germline.
Comment: Variant summary: BRCA2 c.3323A>T (p.Lys1108Met) results in a non-conservative amino acid change in the encoded protein sequence. Algorithms developed to predict the effect of missense changes on protein structure and function are either unavailable or do not agree on the potential impact of this missense change. The variant was absent in 238670 control chromosomes. The available data on variant occurrences in the general population are insufficient to allow any conclusion about variant significance. To our knowledge, no occurrence of c.3323A>T in individuals affected with BRCA2-related conditions and no experimental evidence demonstrating its impact on protein function have been reported. No submitters have cited clinical-significance assessments for this variant to ClinVar. Based on the evidence outlined above, the variant was classified as uncertain significance.

NM_000059.4(BRCA2):c.3323A>T (p.Lys1108Met)

Gene: BRCA2 (BRCA2 DNA repair associated; plus strand). Cytogenetic location: 13q13.1.
Variant type: single nucleotide variant.
Coding change: c.3323A>T on transcript NM_000059.4 (MANE Select); coding-DNA position 3323, A replaced by T.
Protein change: p.Lys1108Met; replaces lysine 1108 with methionine.
Molecular consequence: missense variant. On other transcripts: non-coding transcript variant (1), intron variant (2).
Genome position (GRCh38, 1-based): chr13:32,337,678, A>T. VCF-style: chr13-32337678-A-T. GRCh37 (hg19) VCF-style: chr13-32911815-A-T.
Other names: c.3323A>T, p.Lys1108Met (NM_001406719.1, NM_001406720.1, NM_001432077.1); c.1909+4291A>T (NM_001406721.1); c.424+6648A>T (NM_001406722.1); short protein forms K1108M.
Identifiers: ClinVar variation 4848841 (VCV004848841.1).
Genomic context (GRCh38, chr13:32,337,678, plus strand): 5'-CTCAGATGTTATTTTCCAAGCAGGATTTTAATTCAAACCATAATTTAACACCTAGCCAAA[A>T]GGCAGAAATTACAGAACTTTCTACTATATTAGAAGAATCAGGAAGTCAGTTTGAATTTAC-3'
Protein context (NP_000050.3, residues 1098-1118): NSNHNLTPSQ[Lys1108Met]AEITELSTIL